The following is an entry in ClinVar:

NM_004360.5(CDH1):c.724G>T (p.Val242Phe)

Gene: CDH1 (cadherin 1; plus strand). Cytogenetic location: 16q22.1.
Variant type: single nucleotide variant.
Coding change: c.724G>T on transcript NM_004360.5 (MANE Select); coding-DNA position 724, G replaced by T.
Protein change: p.Val242Phe; replaces valine 242 with phenylalanine.
Molecular consequence: missense variant. On other transcripts: 5 prime UTR variant (2).
Genome position (GRCh38, 1-based): chr16:68,810,233, G>T. VCF-style: chr16-68810233-G-T. GRCh37 (hg19) VCF-style: chr16-68844136-G-T.
Other names: c.724G>T, p.Val242Phe (NM_001317184.2); c.-892G>T (NM_001317185.2); c.-1096G>T (NM_001317186.2); short protein forms V242F.
Identifiers: ClinVar variation 4715267 (VCV004715267.2).
Genomic context (GRCh38, chr16:68,810,233, plus strand): 5'-GTCACCCTCACTTGGTTCTTTCAGCTCTTCTCTCACGCTGTGTCATCCAACGGGAATGCA[G>T]TTGAGGATCCAATGGAGATTTTGATCACGGTAACCGATCAGAATGACAACAAGCCCGAAT-3'
Protein context (NP_004351.1, residues 232-252): SHAVSSNGNA[Val242Phe]EDPMEILITV

ClinVar aggregate classification (germline): Uncertain significance. Review status: criteria provided, multiple submitters, no conflicts (2 of 4 stars). 2 submissions from 2 submitters: Uncertain significance (2). Last evaluated 2026-07-02.

Conditions:
Hereditary diffuse gastric adenocarcinoma (HDGC). Also called: DIFFUSE GASTRIC AND LOBULAR BREAST CANCER SYNDROME. Identifiers: Orphanet 26106, MedGen C1708349, MONDO:0007648, OMIM 137215.
Hereditary cancer-predisposing syndrome. Also called: Hereditary Cancer Syndrome; Hereditary neoplastic syndrome; Neoplastic Syndromes, Hereditary; Tumor predisposition. Identifiers: Orphanet 140162, MedGen C0027672, MeSH D009386, MONDO:0015356.

Submissions (2):

Ambry Genetics
Classification: Uncertain significance for Hereditary cancer-predisposing syndrome. Last evaluated: 2026-07-02. Review status: criteria provided, single submitter. Criteria: Ambry Variant Classification Scheme 2023. Collection method: clinical testing. Allele origin: germline.
Comment: The p.V242F variant (also known as c.724G>T), located in coding exon 6 of the CDH1 gene, results from a G to T substitution at nucleotide position 724. The valine at codon 242 is replaced by phenylalanine, an amino acid with highly similar properties. This amino acid position is conserved. In addition, this alteration is predicted to be tolerated by in silico analysis. Based on the available evidence, the clinical significance of this variant remains unclear.

Labcorp Genetics (formerly Invitae), Labcorp
Classification: Uncertain significance for Hereditary diffuse gastric adenocarcinoma. Last evaluated: 2025-03-18. Review status: criteria provided, single submitter. Criteria: Invitae Variant Classification Sherloc (09022015). Collection method: clinical testing. Allele origin: germline.
Comment: This sequence change replaces valine, which is neutral and non-polar, with phenylalanine, which is neutral and non-polar, at codon 242 of the CDH1 protein (p.Val242Phe). This variant is not present in population databases (gnomAD no frequency). This variant has not been reported in the literature in individuals affected with CDH1-related conditions. An algorithm developed to predict the effect of missense changes on protein structure and function (PolyPhen-2) suggests that this variant is likely to be disruptive. In summary, the available evidence is currently insufficient to determine the role of this variant in disease. Therefore, it has been classified as a Variant of Uncertain Significance.